The following is an entry in ClinVar:

NM_001267550.2(TTN):c.103636C>T (p.Arg34546Cys)

Genes: TTN (titin; minus strand), TTN-AS1 (TTN antisense RNA 1; plus strand). Cytogenetic location: 2q31.2.
Variant type: single nucleotide variant.
Coding change: c.103636C>T on transcript NM_001267550.2 (MANE Select); coding-DNA position 103636, C replaced by T.
Protein change: p.Arg34546Cys; replaces arginine 34546 with cysteine.
Molecular consequence: missense variant.
Genome position (GRCh38, 1-based): chr2:178,532,979, G>A on the plus strand (C>T on the coding strand, the complement: TTN is on the minus strand). VCF-style: chr2-178532979-G-A. GRCh37 (hg19) VCF-style: chr2-179397706-G-A.
Other names: c.98713C>T, p.Arg32905Cys (NM_001256850.1); c.76441C>T, p.Arg25481Cys (NM_003319.4); c.95932C>T, p.Arg31978Cys (NM_133378.4); c.76816C>T, p.Arg25606Cys (NM_133432.3); c.77017C>T, p.Arg25673Cys (NM_133437.4); short protein forms R31978C, R34546C, R25481C, R32905C, R25673C, R25606C.
Identifiers: ClinVar variation 191818 (VCV000191818.24), dbSNP rs777626473, ClinGen allele CA237620.

ClinVar aggregate classification (germline): Conflicting classifications of pathogenicity. Review status: criteria provided, conflicting classifications (1 of 4 stars). 7 submissions from 7 submitters: Uncertain significance (6); Likely benign (1). Last evaluated 2025-05-01.

Conditions:
Dilated cardiomyopathy 1G (CMD1G). Identifiers: Orphanet 154, MedGen C1858763, MONDO:0011400, OMIM 604145.
Autosomal recessive limb-girdle muscular dystrophy type 2J (LGMDR10). Also called: Limb-girdle muscular dystrophy, type 2J; MUSCULAR DYSTROPHY, LIMB-GIRDLE, AUTOSOMAL RECESSIVE 10. Identifiers: Orphanet 140922, MedGen C1837342, MONDO:0012127, OMIM 608807.

Allele frequency attached by ClinVar (database versions not stated): gnomAD 0.00006; TOPMed 0.00006; ExAC 0.00007; gnomAD exomes 0.00007.
gnomAD v4.1: 119 of 1,613,670 alleles (0.0074%); highest among the groups gnomAD compares: Non-Finnish European, 0.0086%; no homozygotes.

Submissions (7):

CeGaT Center for Human Genetics Tuebingen
Classification: Uncertain significance. Last evaluated: 2025-05-01. Review status: criteria provided, single submitter. Criteria: CeGaT Center For Human Genetics Tuebingen Variant Classification Criteria Version 2. Collection method: clinical testing. Allele origin: germline. Affected: yes. Observed: 1 variant allele.
Comment: TTN: PM2:Supporting, BP4

Revvity Omics, Revvity
Classification: Uncertain significance. Last evaluated: 2021-05-07. Review status: criteria provided, single submitter. Criteria: ACMG Guidelines, 2015. Collection method: clinical testing. Allele origin: germline.

Women's Health and Genetics/Laboratory Corporation of America, LabCorp
Classification: Uncertain significance. Last evaluated: 2021-03-25. Review status: criteria provided, single submitter. Criteria: LabCorp Variant Classification Summary - May 2015. Collection method: clinical testing. Allele origin: germline.
Comment: Variant summary: TTN c.95932C>T (p.Arg31978Cys) results in a non-conservative amino acid change located in the M-band region of the encoded protein sequence. Four of five in-silico tools predict a damaging effect of the variant on protein function. The variant allele was found at a frequency of 6.8e-05 in 249128 control chromosomes. This frequency is not significantly higher than expected for a pathogenic variant in TTN causing Dilated Cardiomyopathy (6.8e-05 vs 0.00039), allowing no conclusion about variant significance. c.95932C>T has been reported in the literature in at least one individual affected with Cardiomyopathy (e.g. Lopes_2013). This report does not provide unequivocal conclusions about association of the variant with Dilated Cardiomyopathy. To our knowledge, no experimental evidence demonstrating an impact on protein function has been reported. Two other clinical diagnostic laboratories have submitted clinical-significance assessments for this variant to ClinVar after 2014 without evidence for independent evaluation. Both laboratories cited the variant as uncertain significance. Based on the evidence outlined above, the variant was classified as uncertain significance.

GeneDx
Classification: Likely benign. Last evaluated: 2020-01-06. Review status: criteria provided, single submitter. Criteria: GeneDx Variant Classification Process June 2021. Collection method: clinical testing. Allele origin: germline. Affected: yes.
Comment: This variant is associated with the following publications: (PMID: 23396983)

Labcorp Genetics (formerly Invitae), Labcorp
Classification: Uncertain significance for Dilated cardiomyopathy 1G; Autosomal recessive limb-girdle muscular dystrophy type 2J. Last evaluated: 2017-11-17. Review status: criteria provided, single submitter. Criteria: Invitae Variant Classification Sherloc (09022015). Collection method: clinical testing. Allele origin: germline.

Eurofins Ntd Llc (ga)
Classification: Uncertain significance. Last evaluated: 2017-11-13. Review status: criteria provided, single submitter. Criteria: EGL Classification Definitions 2015. Collection method: clinical testing. Allele origin: germline. Observed: 2 variant alleles, 2 heterozygotes.

Biesecker Lab/Clinical Genomics Section, National Institutes of Health
Classification: Uncertain significance. Last evaluated: 2013-06-24. Review status: criteria provided, single submitter. Criteria: Ng et al. (Circ Cardiovasc Genet. 2013). Collection method: research. Allele origin: unknown. Observed: 1 variant allele. Study: ClinSeq.
Comment: The study set was not selected for affection status in relation to any cancer. Pathogenicity categories were based on literature curation. See Pubmed ID:23861362 for details.

Medical sequencing

Literature cited by the submitters: PubMed 23396983 (cited by Women's Health and Genetics/Laboratory Corporation of America, LabCorp).